The following is an entry in ClinVar:

ClinVar aggregate classification (germline): Uncertain significance (1 of 4 stars; one submission).

Submission:

Labcorp Genetics (formerly Invitae), Labcorp
Classification: Uncertain significance. Last evaluated: 2023-05-05. Review status: criteria provided, single submitter. Criteria: Invitae Variant Classification Sherloc (09022015). Collection method: clinical testing. Allele origin: germline.
Comment: This sequence change replaces isoleucine, which is neutral and non-polar, with threonine, which is neutral and polar, at codon 212 of the SUCO protein (p.Ile212Thr). This variant is not present in population databases (gnomAD no frequency). This variant has not been reported in the literature in individuals affected with SUCO-related conditions. An algorithm developed to predict the effect of missense changes on protein structure and function (PolyPhen-2) suggests that this variant is likely to be tolerated. In summary, the available evidence is currently insufficient to determine the role of this variant in disease. Therefore, it has been classified as a Variant of Uncertain Significance.

NM_014283.5(SUCO):c.635T>C (p.Ile212Thr)

Gene: SUCO (SUN domain containing ossification factor; plus strand). Cytogenetic location: 1q24.3.
Variant type: single nucleotide variant.
Coding change: c.635T>C on transcript NM_014283.5 (MANE Select); coding-DNA position 635, T replaced by C.
Protein change: p.Ile212Thr; replaces isoleucine 212 with threonine.
Molecular consequence: missense variant. On other transcripts: 5 prime UTR variant (1).
Genome position (GRCh38, 1-based): chr1:172,557,697, T>C. VCF-style: chr1-172557697-T-C. GRCh37 (hg19) VCF-style: chr1-172526837-T-C.
Other names: c.524T>C, p.Ile175Thr (NM_001282750.2); c.-895T>C (NM_001282751.2); c.1109T>C, p.Ile370Thr (NM_016227.4); short protein forms I212T, I175T, I370T.
Identifiers: ClinVar variation 2862326 (VCV002862326.3), dbSNP rs2527282914, ClinGen allele CA343735275.